The following is an entry in ClinVar:

ClinVar aggregate classification (germline): Conflicting classifications of pathogenicity. Review status: criteria provided, conflicting classifications (1 of 4 stars). 6 submissions from 6 submitters: Uncertain significance (1); Likely benign (5). Last evaluated 2026-03-01.

Conditions:
Fanconi anemia (FA). Also called: Fanconi's anemia. Identifiers: Orphanet 84, MedGen C0015625, MeSH D005199, MONDO:0019391.
Fanconi anemia complementation group L (FANCL). Also called: FANCL-Related Fanconi Anemia. Identifiers: Orphanet 84, MedGen C3469528, MONDO:0013566, OMIM 614083.

Allele frequency attached by ClinVar (database versions not stated): gnomAD exomes 0.00036 and 0.00042; ExAC 0.00038; ESP Exome Variant Server 0.00046; TOPMed 0.00025; gnomAD 0.00036.
gnomAD v4.1: 584 of 1,612,954 alleles (0.036%); highest among the groups gnomAD compares: South Asian, 0.048%; no homozygotes.

Submissions (6):

CeGaT Center for Human Genetics Tuebingen
Classification: Likely benign. Last evaluated: 2026-03-01. Review status: criteria provided, single submitter. Criteria: CeGaT Center For Human Genetics Tuebingen Variant Classification Criteria Version 2. Collection method: clinical testing. Allele origin: germline. Affected: yes. Observed: 3 variant alleles.
Comment: FANCL: BP4, BP7

Labcorp Genetics (formerly Invitae), Labcorp
Classification: Likely benign for Fanconi anemia. Last evaluated: 2025-12-15. Review status: criteria provided, single submitter. Criteria: Invitae Variant Classification Sherloc (09022015). Collection method: clinical testing. Allele origin: germline.

Blueprint Genetics
Classification: Likely benign. Last evaluated: 2024-10-28. Review status: criteria provided, single submitter. Criteria: ACMG Guidelines, 2015. Collection method: clinical testing. Allele origin: germline.

GeneDx
Classification: Likely benign. Last evaluated: 2021-04-28. Review status: criteria provided, single submitter. Criteria: GeneDx Variant Classification Process June 2021. Collection method: clinical testing. Allele origin: germline. Affected: yes.
Comment: See Variant Classification Assertion Criteria.

Genetic Services Laboratory, University of Chicago
Classification: Likely benign. Last evaluated: 2019-08-09. Review status: criteria provided, single submitter. Criteria: ACMG Guidelines, 2015. Collection method: clinical testing. Allele origin: germline. Affected: no.

Illumina Laboratory Services, Illumina
Classification: Uncertain significance for Fanconi anemia complementation group L. Last evaluated: 2018-01-13. Review status: criteria provided, single submitter. Criteria: ICSL Variant Classification Criteria 13 December 2019. Collection method: clinical testing. Allele origin: germline.

NM_018062.4(FANCL):c.534A>G (p.Thr178=)

Gene: FANCL (FA complementation group L; minus strand). Cytogenetic location: 2p16.1.
Variant type: single nucleotide variant.
Coding change: c.534A>G on transcript NM_018062.4 (MANE Select); coding-DNA position 534, A replaced by G.
Protein change: p.Thr178=; no amino-acid change (threonine 178 retained).
Molecular consequence: synonymous variant.
Genome position (GRCh38, 1-based): chr2:58,198,600, T>C on the plus strand (A>G on the coding strand, the complement: FANCL is on the minus strand). VCF-style: chr2-58198600-T-C. GRCh37 (hg19) VCF-style: chr2-58425735-T-C.
Other names: c.534A>G, p.Thr178= (NM_001114636.2, NM_001374615.1, NM_001410792.1).
Identifiers: ClinVar variation 414860 (VCV000414860.30), dbSNP rs151181785, ClinGen allele CA1670587.